The following is an entry in ClinVar:

NM_015100.4(POGZ):c.3375TGA[1] (p.Asp1126del)

Gene: POGZ (pogo transposable element derived with ZNF domain; minus strand). Cytogenetic location: 1q21.3.
Variant type: Microsatellite.
Coding change: c.3375TGA[1] on transcript NM_015100.4 (MANE Select); one copy of the 3-base unit TGA starting at c.3375; the reference has two copies in a row; one copy, 3 bases deleted.
Protein change: p.Asp1126del; deletes aspartic acid 1126.
Molecular consequence: inframe deletion.
Genome position (GRCh38, 1-based): chr1:151,405,655-151,405,657, TCA deleted on the plus strand (TGA on the coding strand, the reverse complement: POGZ is on the minus strand); deleting any 3 consecutive bases within chr1:151,405,655-151,405,660 gives the same sequence; the position shown is the placement nearest the transcript's 3' end. VCF-style (leftmost placement, unchanged base first): chr1-151405654-CTCA-C. GRCh37 (hg19) VCF-style: chr1-151378130-CTCA-C.
Other names: c.3348TGA[1], p.Asp1117del (NM_001194937.2); c.3189TGA[1], p.Asp1064del (NM_001194938.2); c.3396TGA[1], p.Asp1133del (NM_001410860.1); c.3090TGA[1], p.Asp1031del (NM_145796.4); c.3216TGA[1], p.Asp1073del (NM_207171.2); short protein forms D1064del, D1126del, D1117del, D1133del, D1031del, D1073del.
Identifiers: ClinVar variation 4628120 (VCV004628120.1).

ClinVar aggregate classification (germline): Uncertain significance (1 of 4 stars; one submission).

Conditions:
Inborn genetic diseases. Identifiers: MedGen C0950123, MeSH D030342.

Submission:

Ambry Genetics
Classification: Uncertain significance for Inborn genetic diseases. Last evaluated: 2025-09-19. Review status: criteria provided, single submitter. Criteria: Ambry Variant Classification Scheme 2023. Collection method: clinical testing. Allele origin: germline.
Comment: The c.3378_3380delTGA (p.D1126del) alteration, located in coding exon 18 of the POGZ gene, results from an in-frame deletion of 3 nucleotides between nucleotide positions c.3378 to c.3380. This results in the deletion of an aspartic acid (D) residue at codon 1126. This variant was not reported in population-based cohorts in the Genome Aggregation Database (gnomAD). This amino acid position is highly conserved in available vertebrate species. Based on insufficient or conflicting evidence, the clinical significance of this alteration remains unclear.